The following is an entry in ClinVar:

ClinVar aggregate classification (germline): Uncertain significance. Review status: criteria provided, multiple submitters, no conflicts (2 of 4 stars). 5 submissions from 5 submitters: Uncertain significance (5). Last evaluated 2025-09-30.

Conditions:
Hereditary cancer-predisposing syndrome. Also called: Neoplastic Syndromes, Hereditary; Tumor predisposition; Hereditary neoplastic syndrome; Hereditary Cancer Syndrome. Identifiers: Orphanet 140162, MedGen C0027672, MeSH D009386, MONDO:0015356.
Multiple endocrine neoplasia, type 2 (MEN2). Identifiers: Orphanet 653, MedGen C4048306, MONDO:0019003. Disease mechanism: gain of function.
Hirschsprung disease, susceptibility to, 1 (HSCR1). Also called: RET-Related Hirschsprung Disease. Identifiers: Orphanet 388, MedGen C3888239, MONDO:0007723, OMIM 142623.
RET-related disorder. Also called: RET-related condition; RET-related disease; RET-related disorders.

Allele frequency attached by ClinVar (database versions not stated): gnomAD exomes below 0.00001; ExAC 0.00001.
gnomAD v4.1: 7 of 1,613,404 alleles (0.00043%); highest among the groups gnomAD compares: Admixed American, 0.0017%; no homozygotes.

Submissions (5):

Color Diagnostics, LLC DBA Color Health
Classification: Uncertain significance for Multiple endocrine neoplasia, type 2. Last evaluated: 2025-09-30. Review status: criteria provided, single submitter. Criteria: ACMG Guidelines, 2015. Collection method: clinical testing. Allele origin: germline.
Comment: This missense variant replaces threonine with methionine at codon 317 of the RET protein. Computational predictions are inconclusive regarding the impact of this variant on protein structure and function. To our knowledge, functional studies have not been reported for this variant. This variant has not been reported in individuals affected with RET-related disorders in the literature. This variant has been identified in 7/1461094 chromosomes in the general population by the Genome Aggregation Database (gnomAD). The available evidence is insufficient to determine the role of this variant in disease conclusively. Therefore, this variant is classified as a Variant of Uncertain Significance.

Labcorp Genetics (formerly Invitae), Labcorp
Classification: Uncertain significance for Multiple endocrine neoplasia, type 2. Last evaluated: 2025-06-30. Review status: criteria provided, single submitter. Criteria: Invitae Variant Classification Sherloc (09022015). Collection method: clinical testing. Allele origin: germline.
Comment: This sequence change replaces threonine, which is neutral and polar, with methionine, which is neutral and non-polar, at codon 317 of the RET protein (p.Thr317Met). This variant is present in population databases (rs760322514, gnomAD 0.003%). This variant has not been reported in the literature in individuals affected with RET-related conditions. ClinVar contains an entry for this variant (Variation ID: 578566). An algorithm developed to predict the effect of missense changes on protein structure and function (PolyPhen-2) suggests that this variant is likely to be disruptive. In summary, the available evidence is currently insufficient to determine the role of this variant in disease. Therefore, it has been classified as a Variant of Uncertain Significance.

Ambry Genetics
Classification: Uncertain significance for Hereditary cancer-predisposing syndrome. Last evaluated: 2023-09-11. Review status: criteria provided, single submitter. Criteria: Ambry Variant Classification Scheme 2023. Collection method: clinical testing. Allele origin: germline.
Comment: The p.T317M variant (also known as c.950C>T), located in coding exon 5 of the RET gene, results from a C to T substitution at nucleotide position 950. The threonine at codon 317 is replaced by methionine, an amino acid with similar properties. This amino acid position is highly conserved in available vertebrate species. In addition, the in silico prediction for this alteration is inconclusive. Since supporting evidence is limited at this time, the clinical significance of this alteration remains unclear.

Baylor Genetics
Classification: Uncertain significance for Hirschsprung disease, susceptibility to, 1. Last evaluated: 2023-09-09. Review status: criteria provided, single submitter. Criteria: ACMG Guidelines, 2015. Collection method: clinical testing. Allele origin: unknown.

PreventionGenetics, part of Exact Sciences
Classification: Uncertain significance for RET-related condition. Last evaluated: 2022-12-22. Review status: criteria provided, single submitter. Criteria: ACMG Guidelines, 2015. Collection method: clinical testing. Allele origin: germline.
Comment: The RET c.950C>T variant is predicted to result in the amino acid substitution p.Thr317Met. To our knowledge, this variant has not bee reported in the literature. This variant is reported in 0.0029% of alleles in individuals of Latino descent in gnomAD and is interpreted as uncertain significance in ClinVar. At this time, the clinical significance of this variant is uncertain due to the absence of conclusive functional and genetic evidence.

NM_020975.6(RET):c.950C>T (p.Thr317Met)

Gene: RET (ret proto-oncogene; plus strand). Cytogenetic location: 10q11.21.
Variant type: single nucleotide variant.
Coding change: c.950C>T on transcript NM_020975.6 (MANE Select); coding-DNA position 950, C replaced by T.
Protein change: p.Thr317Met; replaces threonine 317 with methionine.
Molecular consequence: missense variant.
Genome position (GRCh38, 1-based): chr10:43,106,458, C>T. VCF-style: chr10-43106458-C-T. GRCh37 (hg19) VCF-style: chr10-43601906-C-T.
Other names: c.950C>T, p.Thr317Met (NM_000323.2, NM_001406743.1, NM_001406744.1 and 6 more transcripts); c.188C>T, p.Thr63Met (NM_001355216.2); c.821C>T, p.Thr274Met (NM_001406761.1, NM_001406762.1, NM_001406764.1 and 1 more transcripts); c.662C>T, p.Thr221Met (NM_001406766.1, NM_001406767.1, NM_001406770.1); short protein forms T317M, T63M, T221M, T274M.
Identifiers: ClinVar variation 578566 (VCV000578566.13), dbSNP rs760322514, ClinGen allele CA045576.
Genomic context (GRCh38, chr10:43,106,458, plus strand): 5'-GTGTCTTCGATGCAGACGTGGTACCTGCATCAGGGGAGCTGGTGAGGCGGTACACAAGCA[C>T]GCTGCTCCCCGGGGACACCTGGGCCCAGCAGACCTTCCGGGTGGAACACTGGCCCAACGA-3'
Protein context (NP_066124.1, residues 307-327): SGELVRRYTS[Thr317Met]LLPGDTWAQQ